The following is an entry in ClinVar:

ClinVar aggregate classification (germline): Likely benign (1 of 4 stars; one submission).

gnomAD v4.1: 147 of 1,613,608 alleles (0.0091%); highest among the groups gnomAD compares: Middle Eastern, 0.18%; no homozygotes.

Submission:

CeGaT Center for Human Genetics Tuebingen
Classification: Likely benign. Last evaluated: 2026-07-01. Review status: criteria provided, single submitter. Criteria: CeGaT Center For Human Genetics Tuebingen Variant Classification Criteria Version 2. Collection method: clinical testing. Allele origin: germline. Affected: yes. Observed: 2 variant alleles.
Comment: WIPI2: BP4, BP7

NM_015610.4(WIPI2):c.675C>T (p.Thr225=)

Gene: WIPI2 (WD repeat domain, phosphoinositide interacting 2; plus strand). Cytogenetic location: 7p22.1.
Variant type: single nucleotide variant.
Coding change: c.675C>T on transcript NM_015610.4 (MANE Select); coding-DNA position 675, C replaced by T.
Protein change: p.Thr225=; no amino-acid change (threonine 225 retained).
Molecular consequence: synonymous variant.
Genome position (GRCh38, 1-based): chr7:5,222,607, C>T. VCF-style: chr7-5222607-C-T. GRCh37 (hg19) VCF-style: chr7-5262238-C-T.
Other names: c.675C>T, p.Thr225= (NM_001033518.2); c.621C>T, p.Thr207= (NM_001033519.2, NM_016003.4); c.498C>T, p.Thr166= (NM_001033520.1); c.243C>T, p.Thr81= (NM_001278299.2).
Identifiers: ClinVar variation 4533600 (VCV004533600.6).